The following is an entry in ClinVar:

ClinVar aggregate classification (germline): Uncertain significance (1 of 4 stars; one submission).

Conditions:
Oligodontia-cancer predisposition syndrome. Also called: TOOTH AGENESIS-COLORECTAL CANCER SYNDROME. Identifiers: Orphanet 300576, MedGen C1837750, MONDO:0012075, OMIM 608615. Disease mechanism: loss of function.

Submission:

Labcorp Genetics (formerly Invitae), Labcorp
Classification: Uncertain significance for Oligodontia-cancer predisposition syndrome. Last evaluated: 2016-01-09. Review status: criteria provided, single submitter. Criteria: Invitae Variant Classification Sherloc (09022015). Collection method: clinical testing. Allele origin: germline.
Comment: Algorithms developed to predict the effect of missense changes on protein structure and function do not agree on the potential impact of this missense change (SIFT: "Deleterious"; PolyPhen-2: "Probably Damaging"; Align-GVGD: "Class C0"). In summary, this is a novel missense change with uncertain impact on protein function. It has been classified as a Variant of Uncertain Significance. This variant is not present in population databases (ExAC no frequency) and has not been reported in the literature in individuals with a AXIN2-related disease. This sequence change replaces arginine with proline at codon 18 of the AXIN2 protein (p.Arg18Pro). The arginine residue is moderately conserved and there is a moderate physicochemical difference between arginine and proline.

NM_004655.4(AXIN2):c.53G>C (p.Arg18Pro)

Gene: AXIN2 (axin 2; minus strand). Cytogenetic location: 17q24.1.
Variant type: single nucleotide variant.
Coding change: c.53G>C on transcript NM_004655.4 (MANE Select); coding-DNA position 53, G replaced by C.
Protein change: p.Arg18Pro; replaces arginine 18 with proline.
Molecular consequence: missense variant.
Genome position (GRCh38, 1-based): chr17:65,558,568, C>G on the plus strand (G>C on the coding strand, the complement: AXIN2 is on the minus strand). VCF-style: chr17-65558568-C-G. GRCh37 (hg19) VCF-style: chr17-63554686-C-G.
Other names: c.53G>C (LRG_296t1); c.53G>C, p.Arg18Pro (NM_001363813.1); short protein forms R18P.
Identifiers: ClinVar variation 240024 (VCV000240024.8), dbSNP rs878854732, ClinGen allele CA10583667.
Genomic context (GRCh38, chr17:65,558,568, plus strand): 5'-GGCTGACACGGTGGGGTCTCCCCTTCTTCCCCTGGCACTGGGGGCCGCGGGGCATCCTCA[C>G]GGAAGCTGCTGCTGGGGTCCGGGAGGCAAGTCACCAACATAGCGCTACTCATGGTGAGGG-3'
Protein context (NP_004646.3, residues 8-28): TCLPDPSSSF[Arg18Pro]EDAPRPPVPG